The following is an entry in ClinVar:

ClinVar aggregate classification (germline): Uncertain significance (1 of 4 stars; one submission).

Conditions:
Primary ciliary dyskinesia. Also called: Ciliary dyskinesia. Identifiers: Orphanet 244, MedGen C0008780, MONDO:0016575, HP:0012265.

Allele frequency attached by ClinVar (database versions not stated): TOPMed below 0.00001; ExAC 0.00001; gnomAD 0.00001; gnomAD exomes 0.00001.
gnomAD v4.1: 19 of 1,613,368 alleles (0.0012%); highest among the groups gnomAD compares: South Asian, 0.019%; 2 homozygotes.

Submission:

Labcorp Genetics (formerly Invitae), Labcorp
Classification: Uncertain significance for Primary ciliary dyskinesia. Last evaluated: 2022-12-13. Review status: criteria provided, single submitter. Criteria: Invitae Variant Classification Sherloc (09022015). Collection method: clinical testing. Allele origin: germline.
Comment: This sequence change replaces leucine, which is neutral and non-polar, with phenylalanine, which is neutral and non-polar, at codon 3447 of the DNAH8 protein (p.Leu3447Phe). This variant is present in population databases (rs764099125, gnomAD 0.01%). This variant has not been reported in the literature in individuals affected with DNAH8-related conditions. Advanced modeling of protein sequence and biophysical properties (such as structural, functional, and spatial information, amino acid conservation, physicochemical variation, residue mobility, and thermodynamic stability) performed at Invitae indicates that this missense variant is expected to disrupt DNAH8 protein function. In summary, the available evidence is currently insufficient to determine the role of this variant in disease. Therefore, it has been classified as a Variant of Uncertain Significance.

NM_001206927.2(DNAH8):c.10339C>T (p.Leu3447Phe)

Genes: DNAH8 (dynein axonemal heavy chain 8; plus strand), DNAH8-AS1 (DNAH8 antisense RNA 1; minus strand). Cytogenetic location: 6p21.2.
Variant type: single nucleotide variant.
Coding change: c.10339C>T on transcript NM_001206927.2 (MANE Select); coding-DNA position 10339, C replaced by T.
Protein change: p.Leu3447Phe; replaces leucine 3447 with phenylalanine.
Molecular consequence: missense variant.
Genome position (GRCh38, 1-based): chr6:38,917,955, C>T. VCF-style: chr6-38917955-C-T. GRCh37 (hg19) VCF-style: chr6-38885731-C-T.
Other names: c.9688C>T, p.Leu3230Phe (NM_001371.4); short protein forms L3230F, L3447F.
Identifiers: ClinVar variation 3005601 (VCV003005601.3), dbSNP rs764099125, ClinGen allele CA3790705.